The following is an entry in ClinVar:

ClinVar aggregate classification (germline): Uncertain significance (1 of 4 stars; one submission).

Conditions:
Hereditary cancer-predisposing syndrome. Also called: Neoplastic Syndromes, Hereditary; Tumor predisposition; Hereditary neoplastic syndrome; Hereditary Cancer Syndrome. Identifiers: Orphanet 140162, MedGen C0027672, MeSH D009386, MONDO:0015356.

Submission:

Ambry Genetics
Classification: Uncertain significance for Hereditary cancer-predisposing syndrome. Last evaluated: 2023-02-28. Review status: criteria provided, single submitter. Criteria: Ambry Variant Classification Scheme 2023. Collection method: clinical testing. Allele origin: germline.
Comment: The p.L512V variant (also known as c.1534C>G), located in coding exon 6 of the BARD1 gene, results from a C to G substitution at nucleotide position 1534. The leucine at codon 512 is replaced by valine, an amino acid with highly similar properties. This amino acid position is conserved. In addition, this alteration is predicted to be tolerated by in silico analysis. Since supporting evidence is limited at this time, the clinical significance of this alteration remains unclear.

NM_000465.4(BARD1):c.1534C>G (p.Leu512Val)

Gene: BARD1 (BRCA1 associated RING domain 1; minus strand). Cytogenetic location: 2q35.
Variant type: single nucleotide variant.
Coding change: c.1534C>G on transcript NM_000465.4 (MANE Select); coding-DNA position 1534, C replaced by G.
Protein change: p.Leu512Val; replaces leucine 512 with valine.
Molecular consequence: missense variant. On other transcripts: non-coding transcript variant (3), intron variant (3).
Genome position (GRCh38, 1-based): chr2:214,767,516, G>C on the plus strand (C>G on the coding strand, the complement: BARD1 is on the minus strand). VCF-style: chr2-214767516-G-C. GRCh37 (hg19) VCF-style: chr2-215632240-G-C.
Other names: c.1477C>G, p.Leu493Val (NM_001282543.2); c.159-14961C>G (NM_001282548.2); c.216-14961C>G (NM_001282545.2); c.364+24781C>G (NM_001282549.2); short protein forms L493V, L512V.
Identifiers: ClinVar variation 2450485 (VCV002450485.2), dbSNP rs2469442809, ClinGen allele CA350448202.